The following is an entry in ClinVar:

NM_015898.4(ZBTB7A):c.1383G>A (p.Thr461=)

Gene: ZBTB7A (zinc finger and BTB domain containing 7A; minus strand). Cytogenetic location: 19p13.3.
Variant type: single nucleotide variant.
Coding change: c.1383G>A on transcript NM_015898.4 (MANE Select); coding-DNA position 1383, G replaced by A.
Protein change: p.Thr461=; no amino-acid change (threonine 461 retained).
Molecular consequence: synonymous variant.
Genome position (GRCh38, 1-based): chr19:4,048,124, C>T on the plus strand (G>A on the coding strand, the complement: ZBTB7A is on the minus strand). VCF-style: chr19-4048124-C-T. GRCh37 (hg19) VCF-style: chr19-4048122-C-T.
Other names: c.1383G>A, p.Thr461= (NM_001317990.2).
Identifiers: ClinVar variation 4997434 (VCV004997434.1).
Genomic context (GRCh38, chr19:4,048,124, plus strand): 5'-CAGGTGGTCGGAGCGGACGAAGGTCTTGCAGCAGCTGTCGCACTGGTAGGGGCGCAGGCC[C>T]GTGTGCACGCGCATGTGGTTCTTCAGGTCGTAGTTGTGGGCAAAGGCGGCGCCGCACTGC-3'
Protein context (NP_056982.1, residues 451-471): YDLKNHMRVH[Thr461=]GLRPYQCDSC

ClinVar aggregate classification (germline): Likely benign (1 of 4 stars; one submission).

Conditions:
ZBTB7A-related disorder. Also called: ZBTB7A-related condition.

gnomAD v4.1: 33 of 1,610,034 alleles (0.002%); highest among the groups gnomAD compares: East Asian, 0.0067%; no homozygotes.

Submission:

PreventionGenetics, part of Exact Sciences
Classification: Likely benign for ZBTB7A-related condition. Last evaluated: 2025-07-28. Review status: criteria provided, single submitter. Criteria: ACMG Guidelines, 2015. Collection method: clinical testing. Allele origin: germline.
Comment: This variant is classified as likely benign based on ACMG/AMP sequence variant interpretation guidelines (Richards et al. 2015 PMID: 25741868, with internal and published modifications).